The following is an entry in ClinVar:

NM_031483.7(ITCH):c.1116G>T (p.Gln372His)

Gene: ITCH (itchy E3 ubiquitin protein ligase; plus strand). Cytogenetic location: 20q11.22.
Variant type: single nucleotide variant.
Coding change: c.1116G>T on transcript NM_031483.7 (MANE Select); coding-DNA position 1116, G replaced by T.
Protein change: p.Gln372His; replaces glutamine 372 with histidine.
Molecular consequence: missense variant.
Genome position (GRCh38, 1-based): chr20:34,445,437, G>T. VCF-style: chr20-34445437-G-T. GRCh37 (hg19) VCF-style: chr20-33033242-G-T.
Other names: c.1239G>T, p.Gln413His (NM_001257137.3, NM_001324197.2); c.786G>T, p.Gln262His (NM_001257138.3); c.1116G>T, p.Gln372His (NM_001324198.2); short protein forms Q262H, Q372H, Q413H.
Identifiers: ClinVar variation 2442485 (VCV002442485.1), dbSNP rs2515695448, ClinGen allele CA408664210.

ClinVar aggregate classification (germline): Uncertain significance (1 of 4 stars; one submission).

Submission:

GeneDx
Classification: Uncertain significance. Last evaluated: 2022-08-30. Review status: criteria provided, single submitter. Criteria: GeneDx Variant Classification Process June 2021. Collection method: clinical testing. Allele origin: germline. Affected: yes.
Comment: Not observed at significant frequency in large population cohorts (gnomAD); In silico analysis supports that this missense variant has a deleterious effect on protein structure/function; Has not been previously published as pathogenic or benign to our knowledge